The following is an entry in ClinVar:

NM_000088.4(COL1A1):c.1237G>C (p.Gly413Arg)

Gene: COL1A1 (collagen type I alpha 1 chain; minus strand). Cytogenetic location: 17q21.33.
Variant type: single nucleotide variant.
Coding change: c.1237G>C on transcript NM_000088.4 (MANE Select); coding-DNA position 1237, G replaced by C.
Protein change: p.Gly413Arg; replaces glycine 413 with arginine.
Molecular consequence: missense variant.
Genome position (GRCh38, 1-based): chr17:50,195,294, C>G on the plus strand (G>C on the coding strand, the complement: COL1A1 is on the minus strand). VCF-style: chr17-50195294-C-G. GRCh37 (hg19) VCF-style: chr17-48272655-C-G.
Other names: short protein forms G413R.
Identifiers: ClinVar variation 567499 (VCV000567499.9), dbSNP rs1567760604, ClinGen allele CA400218833.

ClinVar aggregate classification (germline): Likely pathogenic (1 of 4 stars; one submission).

Conditions:
Osteogenesis imperfecta type I (OI1). Also called: Classic Non-deforming Osteogenesis Imperfecta with Blue Sclerae; Lobstein's Disease; Osteogenesis imperfecta type 1; OI, TYPE I; OSTEOGENESIS IMPERFECTA TARDA; OSTEOGENESIS IMPERFECTA WITH BLUE SCLERAE. Identifiers: Orphanet 216796, Orphanet 666, MedGen C0023931, MONDO:0008146, OMIM 166200. Disease mechanism: loss of function.

Submission:

Labcorp Genetics (formerly Invitae), Labcorp
Classification: Likely pathogenic for Osteogenesis imperfecta type I. Last evaluated: 2018-05-30. Review status: criteria provided, single submitter. Criteria: Invitae Variant Classification Sherloc (09022015). Collection method: clinical testing. Allele origin: germline.
Comment: This sequence change replaces glycine with arginine at codon 413 of the COL1A1 protein (p.Gly413Arg). The glycine residue is highly conserved and there is a moderate physicochemical difference between glycine and arginine. This missense change is located within a functionally conserved triple helix domain of the COL1A1 protein and variants that affect the glycine residue in Gly-Xaa-Yaa repeats of the collagen triple helix are known to disrupt protein folding and stability (PMID: 8218237, 7695699). In summary, the currently available evidence indicates that the variant is pathogenic, but additional data are needed to prove that conclusively. Therefore, this variant has been classified as Likely Pathogenic. This variant has not been reported in the literature in individuals with COL1A1-related disease. This variant is not present in population databases (ExAC no frequency).

Literature cited by the submitters: PubMed 8218237; PubMed 7695699.